The following is an entry in ClinVar:

ClinVar aggregate classification (germline): Uncertain significance (1 of 4 stars; one submission).

gnomAD v4.1: 2 of 1,613,906 alleles (0.00012%); highest among the groups gnomAD compares: Admixed American, 0.0033%; no homozygotes.

Submission:

Labcorp Genetics (formerly Invitae), Labcorp
Classification: Uncertain significance. Last evaluated: 2024-07-29. Review status: criteria provided, single submitter. Criteria: Invitae Variant Classification Sherloc (09022015). Collection method: clinical testing. Allele origin: germline.
Comment: This sequence change replaces lysine, which is basic and polar, with arginine, which is basic and polar, at codon 813 of the KCNH1 protein (p.Lys813Arg). This variant is present in population databases (no rsID available, gnomAD 0.003%). This variant has not been reported in the literature in individuals affected with KCNH1-related conditions. Advanced modeling of protein sequence and biophysical properties (such as structural, functional, and spatial information, amino acid conservation, physicochemical variation, residue mobility, and thermodynamic stability) performed at Invitae indicates that this missense variant is not expected to disrupt KCNH1 protein function with a negative predictive value of 95%. In summary, the available evidence is currently insufficient to determine the role of this variant in disease. Therefore, it has been classified as a Variant of Uncertain Significance.

NM_172362.3(KCNH1):c.2438A>G (p.Lys813Arg)

Gene: KCNH1 (potassium voltage-gated channel subfamily H member 1; minus strand). Cytogenetic location: 1q32.2.
Variant type: single nucleotide variant.
Coding change: c.2438A>G on transcript NM_172362.3 (MANE Select); coding-DNA position 2438, A replaced by G.
Protein change: p.Lys813Arg; replaces lysine 813 with arginine.
Molecular consequence: missense variant.
Genome position (GRCh38, 1-based): chr1:210,683,813, T>C on the plus strand (A>G on the coding strand, the complement: KCNH1 is on the minus strand). VCF-style: chr1-210683813-T-C. GRCh37 (hg19) VCF-style: chr1-210857155-T-C.
Other names: c.2357A>G, p.Lys786Arg (NM_002238.4); short protein forms K786R, K813R.
Identifiers: ClinVar variation 3694999 (VCV003694999.2).